The following is an entry in ClinVar:

NM_206926.2(SELENON):c.1642C>T (p.Arg548Trp)

Gene: SELENON (selenoprotein N; plus strand). Cytogenetic location: 1p36.11.
Variant type: single nucleotide variant.
Coding change: c.1642C>T on transcript NM_206926.2 (MANE Select); coding-DNA position 1642, C replaced by T.
Protein change: p.Arg548Trp; replaces arginine 548 with tryptophan.
Molecular consequence: missense variant.
Genome position (GRCh38, 1-based): chr1:25,815,689, C>T. VCF-style: chr1-25815689-C-T. GRCh37 (hg19) VCF-style: chr1-26142180-C-T.
Other names: c.1744C>T, p.Arg582Trp (NM_020451.3); c.1744C>T (NM_020451.2); short protein forms R548W, R582W.
Identifiers: ClinVar variation 871130 (VCV000871130.48), dbSNP rs373530866, ClinGen allele CA696979.
Genomic context (GRCh38, chr1:25,815,689, plus strand): 5'-TCATCCACCTTTGAAGACCCGTCCACGGCCACCTACATGCAGTTCCTGAAGGAGGGACTC[C>T]GGCGTGGCCTGCCCCTCCTCCAGCCCTAGAGTGCCTGGACGGGATCTGATGCACAGGCCC-3'
Protein context (NP_996809.1, residues 538-556): TYMQFLKEGL[Arg548Trp]RGLPLLQP

ClinVar aggregate classification (germline): Uncertain significance. Review status: criteria provided, multiple submitters, no conflicts (2 of 4 stars). 5 submissions from 5 submitters: Uncertain significance (5). Last evaluated 2024-11-13.

Conditions:
Eichsfeld type congenital muscular dystrophy (CMYO3). Also called: Rigid spine muscular dystrophy 1; MYOPATHY, SEPN1-RELATED; SELENON-related myopathy; Congenital myopathy 3 with rigid spine. Identifiers: MedGen C0410180, MONDO:0100100, OMIM 602771.
Inborn genetic diseases. Identifiers: MedGen C0950123, MeSH D030342.

Allele frequency attached by ClinVar (database versions not stated): gnomAD exomes 0.00003 and 0.00006; ExAC 0.00007; gnomAD 0.00014 and 0.00015; 1000 Genomes Project 30x 0.00016; TOPMed 0.00018; 1000 Genomes Project 0.00020; ESP Exome Variant Server 0.00040.
gnomAD v4.1: 65 of 1,614,142 alleles (0.004%); highest among the groups gnomAD compares: African/African-American, 0.033%; no homozygotes.

Submissions (5):

Ambry Genetics
Classification: Uncertain significance for Inborn genetic diseases. Last evaluated: 2024-11-13. Review status: criteria provided, single submitter. Criteria: Ambry Variant Classification Scheme 2023. Collection method: clinical testing. Allele origin: germline.

Blueprint Genetics
Classification: Uncertain significance. Last evaluated: 2022-11-23. Review status: criteria provided, single submitter. Criteria: ACMG Guidelines, 2015. Collection method: clinical testing. Allele origin: germline.

Labcorp Genetics (formerly Invitae), Labcorp
Classification: Uncertain significance for Eichsfeld type congenital muscular dystrophy. Last evaluated: 2022-09-06. Review status: criteria provided, single submitter. Criteria: Invitae Variant Classification Sherloc (09022015). Collection method: clinical testing. Allele origin: germline.
Comment: This sequence change replaces arginine, which is basic and polar, with tryptophan, which is neutral and slightly polar, at codon 582 of the SELENON protein (p.Arg582Trp). This variant is present in population databases (rs373530866, gnomAD 0.04%). This variant has not been reported in the literature in individuals affected with SELENON-related conditions. ClinVar contains an entry for this variant (Variation ID: 871130). Algorithms developed to predict the effect of missense changes on protein structure and function are either unavailable or do not agree on the potential impact of this missense change (SIFT: "Deleterious"; PolyPhen-2: "Benign"; Align-GVGD: "Class C0"). In summary, the available evidence is currently insufficient to determine the role of this variant in disease. Therefore, it has been classified as a Variant of Uncertain Significance.

Revvity Omics, Revvity
Classification: Uncertain significance for Eichsfeld type congenital muscular dystrophy. Last evaluated: 2020-10-05. Review status: criteria provided, single submitter. Criteria: ACMG Guidelines, 2015. Collection method: clinical testing. Allele origin: germline.

CeGaT Center for Human Genetics Tuebingen
Classification: Uncertain significance. Last evaluated: 2019-07-01. Review status: criteria provided, single submitter. Criteria: CeGaT Center For Human Genetics Tuebingen Variant Classification Criteria Version 2. Collection method: clinical testing. Allele origin: germline. Affected: yes. Observed: 1 variant allele.